The following is an entry in ClinVar:

NM_025099.6(CTC1):c.2727A>C (p.Glu909Asp)

Gene: CTC1 (CST telomere replication complex component 1; minus strand). Cytogenetic location: 17p13.1.
Variant type: single nucleotide variant.
Coding change: c.2727A>C on transcript NM_025099.6 (MANE Select); coding-DNA position 2727, A replaced by C.
Protein change: p.Glu909Asp; replaces glutamic acid 909 with aspartic acid.
Molecular consequence: missense variant. On other transcripts: non-coding transcript variant (1).
Genome position (GRCh38, 1-based): chr17:8,230,594, T>G on the plus strand (A>C on the coding strand, the complement: CTC1 is on the minus strand). VCF-style: chr17-8230594-T-G. GRCh37 (hg19) VCF-style: chr17-8133912-T-G.
Other names: c.2727A>C, p.Glu909Asp (NM_001411067.1); short protein forms E909D.
Identifiers: ClinVar variation 2733817 (VCV002733817.3), dbSNP rs2507883697, ClinGen allele CA397974536.
Genomic context (GRCh38, chr17:8,230,594, plus strand): 5'-TACCTTCCCCACAAAGGAAGGGTCATTACCCAGTTTCATCCAGAGAGACGCCACAAGGGG[T>G]TCACATAGTGTCCGTGACAAAATCTCAGCGGAGAAAGACACCAAGGAATCTGTGAAACTG-3'
Protein context (NP_079375.3, residues 899-919): SAEILSRTLC[Glu909Asp]PLVASLWMKL

ClinVar aggregate classification (germline): Uncertain significance (1 of 4 stars; one submission).

Conditions:
Dyskeratosis congenita. Identifiers: Orphanet 1775, MedGen C0265965, MONDO:0015780.

Submission:

Labcorp Genetics (formerly Invitae), Labcorp
Classification: Uncertain significance for Dyskeratosis congenita. Last evaluated: 2023-05-05. Review status: criteria provided, single submitter. Criteria: Invitae Variant Classification Sherloc (09022015). Collection method: clinical testing. Allele origin: germline.
Comment: This variant is not present in population databases (gnomAD no frequency). This sequence change replaces glutamic acid, which is acidic and polar, with aspartic acid, which is acidic and polar, at codon 909 of the CTC1 protein (p.Glu909Asp). This variant has not been reported in the literature in individuals affected with CTC1-related conditions. Advanced modeling of protein sequence and biophysical properties (such as structural, functional, and spatial information, amino acid conservation, physicochemical variation, residue mobility, and thermodynamic stability) performed at Invitae indicates that this missense variant is not expected to disrupt CTC1 protein function. In summary, the available evidence is currently insufficient to determine the role of this variant in disease. Therefore, it has been classified as a Variant of Uncertain Significance.